The following is an entry in ClinVar:

ClinVar aggregate classification (germline): Pathogenic (1 of 4 stars; one submission).

Submission:

Labcorp Genetics (formerly Invitae), Labcorp
Classification: Pathogenic. Last evaluated: 2021-11-11. Review status: criteria provided, single submitter. Criteria: Invitae Variant Classification Sherloc (09022015). Collection method: clinical testing. Allele origin: germline.
Comment: For these reasons, this variant has been classified as Pathogenic. This variant has not been reported in the literature in individuals affected with ASAH1-related conditions. This variant is present in population databases (no rsID available, gnomAD 0.001%). This sequence change creates a premature translational stop signal (p.Gly217Aspfs*7) in the ASAH1 gene. It is expected to result in an absent or disrupted protein product. Loss-of-function variants in ASAH1 are known to be pathogenic (PMID: 24164096, 24355074).

Literature cited by the submitters: PubMed 24164096; PubMed 24355074.

NC_000008.11:g.18061741del

Gene: ASAH1 (N-acylsphingosine amidohydrolase 1; minus strand). Cytogenetic location: 8p22.
Variant type: Deletion.
Genome position: GRCh38 VCF-style: chr8-18061738-TC-T. GRCh37 (hg19) VCF-style: chr8-17919247-TC-T.
Identifiers: ClinVar variation 1451699 (VCV001451699.6), dbSNP rs1369327940, ClinGen allele CA580091096.